The following is an entry in ClinVar:

NM_182548.4(LHFPL5):c.37A>G (p.Ile13Val)

Gene: LHFPL5 (LHFPL tetraspan subfamily member 5; plus strand). Cytogenetic location: 6p21.31.
Variant type: single nucleotide variant.
Coding change: c.37A>G on transcript NM_182548.4 (MANE Select); coding-DNA position 37, A replaced by G.
Protein change: p.Ile13Val; replaces isoleucine 13 with valine.
Molecular consequence: missense variant.
Genome position (GRCh38, 1-based): chr6:35,805,707, A>G. VCF-style: chr6-35805707-A-G. GRCh37 (hg19) VCF-style: chr6-35773484-A-G.
Other names: short protein forms I13V.
Identifiers: ClinVar variation 2001201 (VCV002001201.4), dbSNP rs1478034448, ClinGen allele CA363783917.
Genomic context (GRCh38, chr6:35,805,707, plus strand): 5'-AGCCCAGGGCCTGCTGCCCTCACCATGGTGAAATTGCTGCCGGCCCAGGAGGCAGCCAAG[A>G]TCTACCATACCAACTATGTGCGGAACTCGCGAGCCGTGGGCGTGATGTGGGGTACCCTCA-3'
Protein context (NP_872354.1, residues 3-23): KLLPAQEAAK[Ile13Val]YHTNYVRNSR

ClinVar aggregate classification (germline): Uncertain significance (1 of 4 stars; one submission).

Allele frequency attached by ClinVar (database versions not stated): gnomAD exomes below 0.00001.
gnomAD v4.1: 2 of 1,614,102 alleles (0.00012%); highest among the groups gnomAD compares: Admixed American, 0.0033%; no homozygotes.

Submission:

Labcorp Genetics (formerly Invitae), Labcorp
Classification: Uncertain significance. Last evaluated: 2024-06-17. Review status: criteria provided, single submitter. Criteria: Invitae Variant Classification Sherloc (09022015). Collection method: clinical testing. Allele origin: germline.
Comment: This sequence change replaces isoleucine, which is neutral and non-polar, with valine, which is neutral and non-polar, at codon 13 of the LHFPL5 protein (p.Ile13Val). This variant is present in population databases (no rsID available, gnomAD 0.006%). This variant has not been reported in the literature in individuals affected with LHFPL5-related conditions. ClinVar contains an entry for this variant (Variation ID: 2001201). An algorithm developed to predict the effect of missense changes on protein structure and function (PolyPhen-2) suggests that this variant is likely to be disruptive. In summary, the available evidence is currently insufficient to determine the role of this variant in disease. Therefore, it has been classified as a Variant of Uncertain Significance.